The following is an entry in ClinVar:

ClinVar aggregate classification (germline): Uncertain significance. Review status: criteria provided, multiple submitters, no conflicts (2 of 4 stars). 2 submissions from 2 submitters: Uncertain significance (2). Last evaluated 2025-12-07.

Conditions:
Ataxia-telangiectasia syndrome (AT). Also called: Ataxia-telangiectasia, complementation group D; Ataxia telangiectasia (A-T); ATAXIA-TELANGIECTASIA, COMPLEMENTATION GROUP A; LOUIS-BAR SYNDROME; Cerebello-oculocutaneous telangiectasia; Immunodeficiency with ataxia telangiectasia. Identifiers: Orphanet 100, MedGen C0004135, MONDO:0008840, OMIM 208900.
Hereditary cancer-predisposing syndrome. Also called: Hereditary Cancer Syndrome; Hereditary neoplastic syndrome; Neoplastic Syndromes, Hereditary; Tumor predisposition. Identifiers: Orphanet 140162, MedGen C0027672, MeSH D009386, MONDO:0015356.

Submissions (2):

Ambry Genetics
Classification: Uncertain significance for Hereditary cancer-predisposing syndrome. Last evaluated: 2025-12-07. Review status: criteria provided, single submitter. Criteria: Ambry Variant Classification Scheme 2023. Collection method: clinical testing. Allele origin: germline.
Comment: The p.Q1919K variant (also known as c.5755C>A), located in coding exon 37 of the ATM gene, results from a C to A substitution at nucleotide position 5755. The glutamine at codon 1919 is replaced by lysine, an amino acid with similar properties. This amino acid position is conserved. In addition, the in silico prediction for this alteration is inconclusive. Since supporting evidence is limited at this time, the clinical significance of this alteration remains unclear.

Labcorp Genetics (formerly Invitae), Labcorp
Classification: Uncertain significance for Ataxia-telangiectasia syndrome. Last evaluated: 2023-11-24. Review status: criteria provided, single submitter. Criteria: Invitae Variant Classification Sherloc (09022015). Collection method: clinical testing. Allele origin: germline.
Comment: This sequence change replaces glutamine, which is neutral and polar, with lysine, which is basic and polar, at codon 1919 of the ATM protein (p.Gln1919Lys). This variant is not present in population databases (gnomAD no frequency). This variant has not been reported in the literature in individuals affected with ATM-related conditions. ClinVar contains an entry for this variant (Variation ID: 1721469). An algorithm developed to predict the effect of missense changes on protein structure and function (PolyPhen-2) suggests that this variant is likely to be disruptive. In summary, the available evidence is currently insufficient to determine the role of this variant in disease. Therefore, it has been classified as a Variant of Uncertain Significance.

NM_000051.4(ATM):c.5755C>A (p.Gln1919Lys)

Gene: ATM (ATM serine/threonine kinase; plus strand). Cytogenetic location: 11q22.3.
Variant type: single nucleotide variant.
Coding change: c.5755C>A on transcript NM_000051.4 (MANE Select); coding-DNA position 5755, C replaced by A.
Protein change: p.Gln1919Lys; replaces glutamine 1919 with lysine.
Molecular consequence: missense variant.
Genome position (GRCh38, 1-based): chr11:108,307,977, C>A. VCF-style: chr11-108307977-C-A. GRCh37 (hg19) VCF-style: chr11-108178704-C-A.
Other names: c.5755C>A, p.Gln1919Lys (NM_001351834.2); short protein forms Q1919K.
Identifiers: ClinVar variation 1721469 (VCV001721469.9), dbSNP rs2083823146, ClinGen allele CA382548009.